The following is an entry in ClinVar:

NM_000821.7(GGCX):c.*1916C>T

Gene: GGCX (gamma-glutamyl carboxylase; minus strand). Cytogenetic location: 2p11.2.
Variant type: single nucleotide variant.
Coding change: c.*1916C>T on transcript NM_000821.7 (MANE Select); 1916 bases downstream of the stop codon, C replaced by T.
Molecular consequence: 3 prime UTR variant.
Genome position (GRCh38, 1-based): chr2:85,548,018, G>A on the plus strand (C>T on the coding strand, the complement: GGCX is on the minus strand). VCF-style: chr2-85548018-G-A. GRCh37 (hg19) VCF-style: chr2-85775141-G-A.
Other names: c.*1916C>T (NM_001142269.4).
Identifiers: ClinVar variation 337224 (VCV000337224.5), dbSNP rs192730155, ClinGen allele CA10616159.

ClinVar aggregate classification (germline): Likely benign (1 of 4 stars; one submission).

Conditions:
Vitamin K-dependent clotting factors, combined deficiency of, type 1. Also called: FACTORS II, VII, IX, AND X, COMBINED DEFICIENCY OF; FAMILIAL MULTIPLE COAGULATION FACTOR DEFICIENCY III; FMFD III; GLUTAMIC ACID, DEFICIENT GAMMA-CARBOXYLATION OF; MULTIPLE COAGULATION FACTOR DEFICIENCY III; VITAMIN K-DEPENDENT COAGULATION DEFECT. Identifiers: Orphanet 98434, MedGen C1848534, MONDO:0010187, OMIM 277450.

Allele frequency attached by ClinVar (database versions not stated): gnomAD 0.00069 and 0.00070; TOPMed 0.00069; 1000 Genomes Project 30x 0.00078; 1000 Genomes Project 0.00080.

Submission:

Illumina Laboratory Services, Illumina
Classification: Likely benign for Vitamin K-dependent clotting factors, combined deficiency of, type 1. Last evaluated: 2018-01-12. Review status: criteria provided, single submitter. Criteria: ICSL Variant Classification Criteria 13 December 2019. Collection method: clinical testing. Allele origin: germline.
Comment: This variant was observed in the ICSL laboratory as part of a predisposition screen in an ostensibly healthy population. It had not been previously curated by ICSL or reported in the Human Gene Mutation Database (HGMD: prior to June 1st, 2018), and was therefore a candidate for classification through an automated scoring system. Utilizing variant allele frequency, disease prevalence and penetrance estimates, and inheritance mode, an automated score was calculated to assess if this variant is too frequent to cause the disease. Based on the score and internal cut-off values, a variant classified as likely benign is not then subjected to further curation. The score for this variant resulted in a classification of likely benign for this disease.